The following is an entry in ClinVar:

ClinVar aggregate classification (germline): Likely pathogenic (1 of 4 stars; one submission).

Conditions:
Primary ciliary dyskinesia 7. Also called: CILIARY DYSKINESIA, PRIMARY, 7, WITH OR WITHOUT SITUS INVERSUS. Identifiers: Orphanet 244, MedGen C2678473, MONDO:0012748, OMIM 611884.

Submission:

Center for Genomics, Ann and Robert H. Lurie Children's Hospital of Chicago
Classification: Likely pathogenic for Primary ciliary dyskinesia 7. Last evaluated: 2021-03-30. Review status: criteria provided, single submitter. Criteria: ACMG Guidelines, 2015. Collection method: clinical testing. Allele origin: germline.
Comment: This variant is not present in large control databases. Evolutionary conservation and computational predictive tools for this variant are limited or unavailable. This variant is a duplication of 21 nucleotides at position 13523 which results in an inframe duplication of 7 amino acids; this variant is not predicted to alter the reading frame, however the effect of this variant on the protein is unclear. In summary, data on this variant is highly suspicious for disease, but requires further evidence for pathogenicity. Therefore, this variant is classified as likely pathogenic.

NM_001277115.2(DNAH11):c.13523_13524insCTGGAGTGGCTCTGCTTCTAG (p.Ala4508_Gly4509insTrpSerGlySerAlaSerSer)

Genes: CDCA7L (cell division cycle associated 7 like; minus strand), DNAH11 (dynein axonemal heavy chain 11; plus strand). Cytogenetic location: 7p15.3.
Variant type: Insertion.
Coding change: c.13523_13524insCTGGAGTGGCTCTGCTTCTAG on transcript NM_001277115.2 (MANE Select); coding-DNA positions 13523 to 13524, CTGGAGTGGCTCTGCTTCTAG inserted.
Protein change: p.Ala4508_Gly4509insTrpSerGlySerAlaSerSer.
Molecular consequence: inframe insertion. On other transcripts: 3 prime UTR variant (3).
Genome position: GRCh38 VCF-style: chr7-21901226-C-CCTGGAGTGGCTCTGCTTCTAG. GRCh37 (hg19) VCF-style: chr7-21940844-C-CCTGGAGTGGCTCTGCTTCTAG.
Other names: c.*1095_*1096insCTAGAAGCAGAGCCACTCCAG (NM_001127370.3, NM_001127371.3, NM_018719.5).
Identifiers: ClinVar variation 2500231 (VCV002500231.1), dbSNP rs2534166712, ClinGen allele CA2580076941.